The following is an entry in ClinVar:

NM_000057.4(BLM):c.2891C>T (p.Ala964Val)

Gene: BLM (BLM RecQ like helicase; plus strand). Cytogenetic location: 15q26.1.
Variant type: single nucleotide variant.
Coding change: c.2891C>T on transcript NM_000057.4 (MANE Select); coding-DNA position 2891, C replaced by T.
Protein change: p.Ala964Val; replaces alanine 964 with valine.
Molecular consequence: missense variant.
Genome position (GRCh38, 1-based): chr15:90,790,716, C>T. VCF-style: chr15-90790716-C-T. GRCh37 (hg19) VCF-style: chr15-91333946-C-T.
Other names: c.2891C>T, p.Ala964Val (NM_001287246.2, NM_001287247.2); c.1766C>T, p.Ala589Val (NM_001287248.2); short protein forms A964V, A589V.
Identifiers: ClinVar variation 1797313 (VCV001797313.8), dbSNP rs1896883497, ClinGen allele CA393846359.
Genomic context (GRCh38, chr15:90,790,716, plus strand): 5'-GTGCTACAATTGCATTTGGAATGGGGATTGACAAACCGGACGTGCGATTTGTGATTCATG[C>T]ATCTCTCCCTAAATCTGTGGAGGGTTACTACCAAGAATCTGGCAGAGCTGGAAGAGATGG-3'
Protein context (NP_000048.1, residues 954-974): DKPDVRFVIH[Ala964Val]SLPKSVEGYY

ClinVar aggregate classification (germline): Uncertain significance. Review status: criteria provided, multiple submitters, no conflicts (2 of 4 stars). 3 submissions from 3 submitters: Uncertain significance (3). Last evaluated 2025-03-20.

Conditions:
Hereditary cancer-predisposing syndrome. Also called: Tumor predisposition; Hereditary Cancer Syndrome; Neoplastic Syndromes, Hereditary; Hereditary neoplastic syndrome. Identifiers: Orphanet 140162, MedGen C0027672, MeSH D009386, MONDO:0015356.
Bloom syndrome (BLM). Also called: Bloom-Torre-Machacek syndrome. Identifiers: Orphanet 125, MedGen C0005859, MONDO:0008876, OMIM 210900.

Allele frequency attached by ClinVar (database versions not stated): gnomAD exomes below 0.00001.
gnomAD v4.1: 5 of 1,614,102 alleles (0.00031%); highest among the groups gnomAD compares: Non-Finnish European, 0.00042%; no homozygotes.

Submissions (3):

Ambry Genetics
Classification: Uncertain significance for Hereditary cancer-predisposing syndrome. Last evaluated: 2025-03-20. Review status: criteria provided, single submitter. Criteria: Ambry Variant Classification Scheme 2023. Collection method: clinical testing. Allele origin: germline.
Comment: The p.A964V variant (also known as c.2891C>T), located in coding exon 14 of the BLM gene, results from a C to T substitution at nucleotide position 2891. The alanine at codon 964 is replaced by valine, an amino acid with similar properties. This amino acid position is well conserved in available vertebrate species. In addition, the in silico prediction for this alteration is inconclusive. Since supporting evidence is limited at this time, the clinical significance of this alteration remains unclear.

Labcorp Genetics (formerly Invitae), Labcorp
Classification: Uncertain significance for Bloom syndrome. Last evaluated: 2024-04-27. Review status: criteria provided, single submitter. Criteria: Invitae Variant Classification Sherloc (09022015). Collection method: clinical testing. Allele origin: germline.
Comment: This sequence change replaces alanine, which is neutral and non-polar, with valine, which is neutral and non-polar, at codon 964 of the BLM protein (p.Ala964Val). This variant is not present in population databases (gnomAD no frequency). This variant has not been reported in the literature in individuals affected with BLM-related conditions. ClinVar contains an entry for this variant (Variation ID: 1797313). Advanced modeling of protein sequence and biophysical properties (such as structural, functional, and spatial information, amino acid conservation, physicochemical variation, residue mobility, and thermodynamic stability) performed at Invitae indicates that this missense variant is expected to disrupt BLM protein function with a positive predictive value of 80%. In summary, the available evidence is currently insufficient to determine the role of this variant in disease. Therefore, it has been classified as a Variant of Uncertain Significance.

St. Jude Molecular Pathology, St. Jude Children's Research Hospital
Classification: Uncertain significance for Bloom syndrome. Last evaluated: 2024-03-13. Review status: criteria provided, single submitter. Criteria: St. Jude Assertion Criteria 2020. Collection method: clinical testing. Allele origin: germline.
Comment: The BLM c.2891C>T (p.Ala964Val) missense change is absent in gnomAD v2.1.1. The in silico tool REVEL is inconclusive about a pathogenic or benign effect of this variant on protein function, and functional studies have not been performed. This variant has not been reported in individuals with Bloom syndrome. In summary, the evidence currently available is insufficient to determine the clinical significance of this variant. It has therefore been classified as of uncertain significance.